The following is an entry in ClinVar:

ClinVar aggregate classification (germline): Uncertain significance. Review status: criteria provided, multiple submitters, no conflicts (2 of 4 stars). 4 submissions from 4 submitters: Uncertain significance (3). 1 of the submissions does not count toward it. Last evaluated 2026-04-09.

Conditions:
HSD10 mitochondrial disease (HSD10MD). Also called: 2-METHYL-3-HYDROXYBUTYRYL-CoA DEHYDROGENASE DEFICIENCY; 2-methyl-3-hydroxybutyric aciduria; 17-beta-hydroxysteroid dehydrogenase X deficiency; HSD10 disease; Chorioathetosis with Mental Retardation and Abnormal Behavior; HSD10 deficiency. Identifiers: Orphanet 391417, Orphanet 85295, MedGen C3266731, MONDO:0010327, OMIM 300438. Disease mechanism: loss of function.

Allele frequency attached by ClinVar (database versions not stated): gnomAD exomes 0.00001 and below 0.00001; TOPMed below 0.00001; ExAC 0.00001; gnomAD 0.00001.

Submissions (4):

GeneDx
Classification: Uncertain significance. Last evaluated: 2026-04-09. Review status: criteria provided, single submitter. Criteria: GeneDx Variant Classification Process June 2021. Collection method: clinical testing. Allele origin: germline.
Comment: Published functional studies suggest this variant is associated with reduced enzyme activity (PMID: 12696021); In silico analysis suggests that this missense variant does not alter protein structure/function; This variant is associated with the following publications: (PMID: 12696021, 27295195, 27306202, JIMD[2001]Abstract, 15059617, 23266819, 31654490, 25231369)

Women's Health and Genetics/Laboratory Corporation of America, LabCorp
Classification: Uncertain significance. Last evaluated: 2024-02-01. Review status: criteria provided, single submitter. Criteria: LabCorp Variant Classification Summary - May 2015. Collection method: clinical testing. Allele origin: germline.
Comment: Variant summary: HSD17B10 c.364C>G (p.Leu122Val) results in a conservative amino acid change in the encoded protein sequence. Four of five in-silico tools predict a benign effect of the variant on protein function. The variant allele was found at a frequency of 5e-06 in 1209658 control chromosomes in the gnomAD database, including 3 hemizygotes. These data do not allow any conclusion about variant significance. At least one publication reports experimental evidence evaluating an impact on protein function and found the variant did not affect protein expression, but resulted in 2-3 % of normal MHBD activity in vitro (Ofman_2003). The following publications have been ascertained in the context of this evaluation (PMID: 12696021, 16148061, 15059617, 31654490). ClinVar contains an entry for this variant (Variation ID: 11443). Based on the evidence outlined above, the variant was classified as VUS-possibly pathogenic.

Blueprint Genetics
Classification: Uncertain significance. Last evaluated: 2023-10-16. Review status: criteria provided, single submitter. Criteria: ACMG Guidelines, 2015. Collection method: clinical testing. Allele origin: germline.

OMIM
Classification: Pathogenic for HSD10 MITOCHONDRIAL DISEASE. Last evaluated: 2003-05-01. Review status: no assertion criteria provided. Collection method: literature only. Allele origin: germline. Not counted in ClinVar's aggregate classification.

Literature cited by the submitters: PubMed 12696021 (cited by Women's Health and Genetics/Laboratory Corporation of America, LabCorp and OMIM); PubMed 16148061 (cited by Women's Health and Genetics/Laboratory Corporation of America, LabCorp); PubMed 15059617 (cited by Women's Health and Genetics/Laboratory Corporation of America, LabCorp); PubMed 31654490 (cited by Women's Health and Genetics/Laboratory Corporation of America, LabCorp).

NM_004493.3(HSD17B10):c.364C>G (p.Leu122Val)

Gene: HSD17B10 (hydroxysteroid 17-beta dehydrogenase 10; minus strand). Cytogenetic location: Xp11.22.
Variant type: single nucleotide variant.
Coding change: c.364C>G on transcript NM_004493.3 (MANE Select); coding-DNA position 364, C replaced by G.
Protein change: p.Leu122Val; replaces leucine 122 with valine.
Molecular consequence: missense variant.
Genome position (GRCh38, 1-based): chrX:53,432,110, G>C on the plus strand (C>G on the coding strand, the complement: HSD17B10 is on the minus strand). VCF-style: chrX-53432110-G-C. GRCh37 (hg19) VCF-style: chrX-53459058-G-C.
Other names: c.364C>G, p.Leu122Val (NM_001037811.2); short protein forms L122V.
Identifiers: ClinVar variation 11443 (VCV000011443.6), dbSNP rs28935476, ClinGen allele CA121451.
Genomic context (GRCh38, chrX:53,432,110, plus strand): 5'-CTGGTTCATTCTGGCCCATCTCACCAGCCACCAGGCGGATCACATTGAAGGTGCCCATGA[G>C]ATTCACCTGTAGGACAGATGGAGACATGCTATAGGACCTGAGGCAGAAGAAGCCTTTGTC-3'
Protein context (NP_004484.1, residues 112-132): EDFQRVLDVN[Leu122Val]MGTFNVIRLV